The following is an entry in ClinVar:

NM_001035.3(RYR2):c.10839-7C>T

Gene: RYR2 (ryanodine receptor 2; plus strand). Cytogenetic location: 1q43.
Variant type: single nucleotide variant.
Coding change: c.10839-7C>T on transcript NM_001035.3 (MANE Select); 7 bases into the intron before coding-DNA position 10839, C replaced by T.
Molecular consequence: intron variant.
Genome position (GRCh38, 1-based): chr1:237,730,253, C>T. VCF-style: chr1-237730253-C-T. GRCh37 (hg19) VCF-style: chr1-237893553-C-T.
Identifiers: ClinVar variation 3073247 (VCV003073247.1), dbSNP rs1385050293, ClinGen allele CA064617.
Genomic context (GRCh38, chr1:237,730,253, plus strand): 5'-CACTACTCAATACAATTTCAACTTATTTTCTAAACACCCTTTTTCTGAAATTGTGCTTAC[C>T]TTTCAGGCATCGGGCTGTCAATCTCTTTCTTCAGGGATATGAAAAGTCTTGGATTGAAAC-3'

ClinVar aggregate classification (germline): Likely benign (1 of 4 stars; one submission).

Conditions:
Catecholaminergic polymorphic ventricular tachycardia (CVPT). Also called: Catecholamine-induced polymorphic ventricular tachycardia. Identifiers: Orphanet 3286, MedGen C5574922, MONDO:0017990.

Allele frequency attached by ClinVar (database versions not stated): TOPMed below 0.00001; gnomAD 0.00001.
gnomAD v4.1: 4 of 1,563,970 alleles (0.00026%); highest among the groups gnomAD compares: Non-Finnish European, 0.00035%; no homozygotes.

Submission:

All of Us Research Program, National Institutes of Health
Classification: Likely benign for Catecholaminergic polymorphic ventricular tachycardia. Last evaluated: 2023-08-28. Review status: criteria provided, single submitter. Criteria: ACMG Guidelines, 2015. Collection method: clinical testing. Allele origin: germline. Inheritance: Autosomal dominant inheritance. Observed: 1 variant allele, 1 heterozygote.
Comment: This study involves interpretation of variants in research participants for the purpose of population health screening. Participant phenotype was not available at the time of variant classification. Additional details can be found in publication PMID: 35346344, PMCID: PMC8962531